The following is an entry in ClinVar:

ClinVar aggregate classification (germline): Conflicting classifications of pathogenicity. Review status: criteria provided, conflicting classifications (1 of 4 stars). 2 submissions from 2 submitters: Uncertain significance (1); Likely benign (1). Last evaluated 2018-01-13.

Conditions:
Myopathy, centronuclear, 2 (CNM2). Also called: MYOTUBULAR MYOPATHY, AUTOSOMAL RECESSIVE. Identifiers: Orphanet 169186, MedGen CN031787, MONDO:0009709, OMIM 255200.

Allele frequency attached by ClinVar (database versions not stated): TOPMed below 0.00001; ExAC 0.00003; gnomAD 0.00001; gnomAD exomes 0.00002.
gnomAD v4.1: 31 of 1,613,344 alleles (0.0019%); highest among the groups gnomAD compares: Middle Eastern, 0.033%; no homozygotes.

Submissions (2):

Illumina Laboratory Services, Illumina
Classification: Uncertain significance for Myopathy, centronuclear, 2. Last evaluated: 2018-01-13. Review status: criteria provided, single submitter. Criteria: ICSL Variant Classification Criteria 13 December 2019. Collection method: clinical testing. Allele origin: germline.

GeneDx
Classification: Likely benign. Last evaluated: 2017-03-29. Review status: criteria provided, single submitter. Criteria: GeneDx Variant Classification (06012015). Collection method: clinical testing. Allele origin: germline. Affected: yes.
Comment: This variant is considered likely benign or benign based on one or more of the following criteria: it is a conservative change, it occurs at a poorly conserved position in the protein, it is predicted to be benign by multiple in silico algorithms, and/or has population frequency not consistent with disease.

NM_139343.3(BIN1):c.698+9C>T

Gene: BIN1 (bridging integrator 1; minus strand). Cytogenetic location: 2q14.3.
Variant type: single nucleotide variant.
Coding change: c.698+9C>T on transcript NM_139343.3 (MANE Select); 9 bases into the intron after coding-DNA position 698, C replaced by T.
Molecular consequence: intron variant.
Genome position (GRCh38, 1-based): chr2:127,063,924, G>A on the plus strand (C>T on the coding strand, the complement: BIN1 is on the minus strand). VCF-style: chr2-127063924-G-A. GRCh37 (hg19) VCF-style: chr2-127821500-G-A.
Other names: c.617+9C>T (NM_001320642.1); c.533+9C>T (NM_001320634.1); c.605+9C>T (NM_139351.3, NM_139350.3, NM_139349.3 and 6 more transcripts); c.698+9C>T (NM_001320633.2, NM_139345.3, NM_139344.3 and 1 more transcripts).
Identifiers: ClinVar variation 508462 (VCV000508462.5), dbSNP rs763703697, ClinGen allele CA1857388.
Genomic context (GRCh38, chr2:127,063,924, plus strand): 5'-CAGACTGGGCACCGCAGCACGCAGACTGGACACTGCCCCACGCAGGCTGGGCACCGTGCT[G>A]GGCCTCACCTGTTCCACAGGGACGGCAGCTCCTCCTGCAGATCCACATTCATCTCCTCAA-3'